The following is an entry in ClinVar:

NM_001393586.1(MYO7B):c.2208A>C (p.Lys736Asn)

Gene: MYO7B (myosin VIIB; plus strand). Cytogenetic location: 2q14.3.
Variant type: single nucleotide variant.
Coding change: c.2208A>C on transcript NM_001393586.1 (MANE Select); coding-DNA position 2208, A replaced by C.
Protein change: p.Lys736Asn; replaces lysine 736 with asparagine.
Molecular consequence: missense variant.
Genome position (GRCh38, 1-based): chr2:127,593,608, A>C. VCF-style: chr2-127593608-A-C. GRCh37 (hg19) VCF-style: chr2-128351183-A-C.
Other names: c.2208A>C, p.Lys736Asn (NM_001080527.2); short protein forms K736N.
Identifiers: ClinVar variation 3044787 (VCV003044787.2), dbSNP rs115592021, ClinGen allele CA1861046.
Genomic context (GRCh38, chr2:127,593,608, plus strand): 5'-GCAAGGCAAGCTCCGCCAGATGACCCTGGGCATCACTGACGTGTGGCTGCGGACAGACAA[A>C]GACTGGAAAGCGGGGAAGACAAAAATTTTCCTGAGGGTGAGACCCCGAGGAACCAGCCAG-3'
Protein context (NP_001380515.1, residues 726-746): GITDVWLRTD[Lys736Asn]DWKAGKTKIF

ClinVar aggregate classification (germline): Benign (0 of 4 stars; one submission).

Conditions:
MYO7B-related disorder. Also called: MYO7B-related condition.

Allele frequency attached by ClinVar (database versions not stated): gnomAD exomes 0.00041; ExAC 0.00126; gnomAD 0.00463; ESP Exome Variant Server 0.00497; 1000 Genomes Project 0.00499; TOPMed 0.00501; 1000 Genomes Project 30x 0.00531.
gnomAD v4.1: 1,316 of 1,613,704 alleles (0.082%); highest among the groups gnomAD compares: African/African-American, 1.6%; 12 homozygotes.

Submission:

PreventionGenetics, part of Exact Sciences
Classification: Benign for MYO7B-related condition. Last evaluated: 2019-02-20. Review status: no assertion criteria provided. Collection method: clinical testing. Allele origin: germline.
Comment: This variant is classified as benign based on ACMG/AMP sequence variant interpretation guidelines (Richards et al. 2015 PMID: 25741868, with internal and published modifications).